The following is an entry in ClinVar:

ClinVar aggregate classification (germline): Uncertain significance. Review status: criteria provided, multiple submitters, no conflicts (2 of 4 stars). 4 submissions from 4 submitters: Uncertain significance (3). 1 of the submissions does not count toward it. Last evaluated 2025-05-05.

Conditions:
Inborn genetic diseases. Identifiers: MedGen C0950123, MeSH D030342.
Retinitis pigmentosa 25 (RP25). Identifiers: Orphanet 791, MedGen C1864446, MONDO:0011272, OMIM 602772.

Allele frequency attached by ClinVar (database versions not stated): gnomAD 0.00001 and 0.00002; gnomAD exomes 0.00001; TOPMed 0.00003.
gnomAD v4.1: 132 of 1,535,438 alleles (0.0086%); highest among the groups gnomAD compares: Non-Finnish European, 0.011%; no homozygotes.

Submissions (4):

Ambry Genetics
Classification: Uncertain significance for Inborn genetic diseases. Last evaluated: 2025-05-05. Review status: criteria provided, single submitter. Criteria: Ambry Variant Classification Scheme 2023. Collection method: clinical testing. Allele origin: germline.

Blueprint Genetics
Classification: Uncertain significance. Last evaluated: 2023-12-08. Review status: criteria provided, single submitter. Criteria: ACMG Guidelines, 2015. Collection method: clinical testing. Allele origin: germline.

Labcorp Genetics (formerly Invitae), Labcorp
Classification: Uncertain significance. Last evaluated: 2021-08-27. Review status: criteria provided, single submitter. Criteria: Invitae Variant Classification Sherloc (09022015). Collection method: clinical testing. Allele origin: germline.
Comment: This sequence change replaces lysine with glutamic acid at codon 2531 of the EYS protein (p.Lys2531Glu). The lysine residue is moderately conserved and there is a small physicochemical difference between lysine and glutamic acid. This variant is not present in population databases (ExAC no frequency). This variant has not been reported in the literature in individuals affected with EYS-related conditions. Algorithms developed to predict the effect of missense changes on protein structure and function output the following: SIFT: "Tolerated"; PolyPhen-2: "Benign"; Align-GVGD: "Class C0". The glutamic acid amino acid residue is found in multiple mammalian species, which suggests that this missense change does not adversely affect protein function. In summary, the available evidence is currently insufficient to determine the role of this variant in disease. Therefore, it has been classified as a Variant of Uncertain Significance.

Natera, Inc.
Classification: Uncertain significance for Retinitis pigmentosa type 25. Last evaluated: 2020-06-10. Review status: no assertion criteria provided. Collection method: clinical testing. Allele origin: germline. Not counted in ClinVar's aggregate classification.

NM_001142800.2(EYS):c.7591A>G (p.Lys2531Glu)

Gene: EYS (EGF-like photoreceptor maintenance factor; minus strand). Cytogenetic location: 6q12.
Variant type: single nucleotide variant.
Coding change: c.7591A>G on transcript NM_001142800.2 (MANE Select); coding-DNA position 7591, A replaced by G.
Protein change: p.Lys2531Glu; replaces lysine 2531 with glutamic acid.
Molecular consequence: missense variant.
Genome position (GRCh38, 1-based): chr6:63,788,237, T>C on the plus strand (A>G on the coding strand, the complement: EYS is on the minus strand). VCF-style: chr6-63788237-T-C. GRCh37 (hg19) VCF-style: chr6-64498130-T-C.
Other names: c.7591A>G, p.Lys2531Glu (NM_001292009.2); short protein forms K2531E.
Identifiers: ClinVar variation 862370 (VCV000862370.7), dbSNP rs1037212478, ClinGen allele CA140243942.